The following is an entry in ClinVar:

NM_001035.3(RYR2):c.7427A>G (p.Tyr2476Cys)

Gene: RYR2 (ryanodine receptor 2; plus strand). Cytogenetic location: 1q43.
Variant type: single nucleotide variant.
Coding change: c.7427A>G on transcript NM_001035.3 (MANE Select); coding-DNA position 7427, A replaced by G.
Protein change: p.Tyr2476Cys; replaces tyrosine 2476 with cysteine.
Molecular consequence: missense variant.
Genome position (GRCh38, 1-based): chr1:237,648,528, A>G. VCF-style: chr1-237648528-A-G. GRCh37 (hg19) VCF-style: chr1-237811828-A-G.
Other names: short protein forms Y2476C.
Identifiers: ClinVar variation 924811 (VCV000924811.8), dbSNP rs1573330149, ClinGen allele CA345398335.

ClinVar aggregate classification (germline): Uncertain significance. Review status: criteria provided, multiple submitters, no conflicts (2 of 4 stars). 2 submissions from 2 submitters: Uncertain significance (2). Last evaluated 2023-12-05.

Conditions:
Cardiomyopathy (CMYO). Also called: Cardiomyopathies. Identifiers: Orphanet 167848, MedGen C0878544, MONDO:0004994, HP:0001638. Inheritance: Various modes of inheritance.
Catecholaminergic polymorphic ventricular tachycardia 1. Also called: VENTRICULAR TACHYCARDIA, CATECHOLAMINERGIC POLYMORPHIC, 1, WITH OR WITHOUT ATRIAL DYSFUNCTION AND/OR DILATED CARDIOMYOPATHY; RYR2-Related Catecholaminergic Polymorphic Ventricular Tachycardia; VENTRICULAR TACHYCARDIA, STRESS-INDUCED POLYMORPHIC 1. Identifiers: Orphanet 3286, MedGen C1631597, MONDO:0011484, OMIM 604772.

Allele frequency attached by ClinVar (database versions not stated): gnomAD exomes 0.00001.
gnomAD v4.1: 7 of 1,611,590 alleles (0.00043%); highest among the groups gnomAD compares: Non-Finnish European, 0.00059%; no homozygotes.

Submissions (2):

Color Diagnostics, LLC DBA Color Health
Classification: Uncertain significance for Cardiomyopathy. Last evaluated: 2023-12-05. Review status: criteria provided, single submitter. Criteria: ACMG Guidelines, 2015. Collection method: clinical testing. Allele origin: germline.
Comment: This missense variant replaces tyrosine with cysteine at codon 2476 of the RYR2 protein. Computational prediction tools and conservation analyses suggest that this variant may have deleterious impact on the protein function. Computational splicing tools suggest that this variant may not impact RNA splicing. To our knowledge, functional assays have not been performed for this variant nor has this variant been reported in individuals affected with cardiovascular disorders in the literature. This variant has not been identified in the general population by the Genome Aggregation Database (gnomAD). Available evidence is insufficient to determine the role of this variant in disease conclusively. Therefore, this variant is classified as a Variant of Uncertain Significance.

Labcorp Genetics (formerly Invitae), Labcorp
Classification: Uncertain significance for Catecholaminergic polymorphic ventricular tachycardia 1. Last evaluated: 2023-07-25. Review status: criteria provided, single submitter. Criteria: Invitae Variant Classification Sherloc (09022015). Collection method: clinical testing. Allele origin: germline.
Comment: This sequence change replaces tyrosine, which is neutral and polar, with cysteine, which is neutral and slightly polar, at codon 2476 of the RYR2 protein (p.Tyr2476Cys). This variant is not present in population databases (gnomAD no frequency). This variant has not been reported in the literature in individuals affected with RYR2-related conditions. ClinVar contains an entry for this variant (Variation ID: 924811). Advanced modeling of protein sequence and biophysical properties (such as structural, functional, and spatial information, amino acid conservation, physicochemical variation, residue mobility, and thermodynamic stability) performed at Invitae indicates that this missense variant is expected to disrupt RYR2 protein function. In summary, the available evidence is currently insufficient to determine the role of this variant in disease. Therefore, it has been classified as a Variant of Uncertain Significance.